The following is an entry in ClinVar:

ClinVar aggregate classification (germline): Likely benign (1 of 4 stars; one submission).

Allele frequency attached by ClinVar (database versions not stated): gnomAD 0.00001; gnomAD exomes 0.00002; TOPMed 0.00005; ExAC 0.00012.
gnomAD v4.1: 28 of 1,613,400 alleles (0.0017%); highest among the groups gnomAD compares: East Asian, 0.056%; no homozygotes.

Submission:

CeGaT Center for Human Genetics Tuebingen
Classification: Likely benign. Last evaluated: 2024-02-01. Review status: criteria provided, single submitter. Criteria: CeGaT Center For Human Genetics Tuebingen Variant Classification Criteria Version 2. Collection method: clinical testing. Allele origin: germline. Affected: yes. Observed: 1 variant allele.
Comment: NUP188: BP4, BP7

NM_015354.3(NUP188):c.3133T>C (p.Leu1045=)

Gene: NUP188 (nucleoporin 188; plus strand). Cytogenetic location: 9q34.11.
Variant type: single nucleotide variant.
Coding change: c.3133T>C on transcript NM_015354.3 (MANE Select); coding-DNA position 3133, T replaced by C.
Protein change: p.Leu1045=; no amino-acid change (leucine 1045 retained).
Molecular consequence: synonymous variant.
Genome position (GRCh38, 1-based): chr9:128,994,901, T>C. VCF-style: chr9-128994901-T-C. GRCh37 (hg19) VCF-style: chr9-131757180-T-C.
Identifiers: ClinVar variation 3027134 (VCV003027134.22), dbSNP rs756413873, ClinGen allele CA5272868.